The following is an entry in ClinVar:

ClinVar aggregate classification (germline): Likely pathogenic (1 of 4 stars; one submission).

Conditions:
Pontocerebellar hypoplasia type 6 (PCH6). Identifiers: Orphanet 166073, MedGen C1969084, MONDO:0012683, OMIM 611523.

gnomAD v4.1: 6 of 1,610,734 alleles (0.00037%); highest among the groups gnomAD compares: Non-Finnish European, 0.00051%; no homozygotes.

Submission:

Natera, Inc.
Classification: Likely pathogenic for Pontocerebellar hypoplasia, type 6. Last evaluated: 2025-10-24. Review status: criteria provided, single submitter. Criteria: Natera Variant Classification Schema (03/2026). Collection method: clinical testing. Allele origin: germline.
Comment: The c.961C>T variant in RARS2 is a missense variant predicted to cause substitution of leucine to phenylalanine at amino acid 321. This variant is rare in the general population with a frequency below the threshold expected for the associated phenotype(s). This variant has been observed in one or more individuals affected with the associated recessive disease, as either homozygous or compound heterozygous with a second variant (PMID: 31536827). This variant has been identified in one or more affected individual with a phenotype highly consistent with the associated gene (PMID: 31536827). Computational prediction algorithms indicate this variant is likely to affect gene or protein function. Given the available evidence, this variant is classified as Likely Pathogenic.

Literature cited by the submitters: PubMed 31536827.

NM_020320.5(RARS2):c.961C>T (p.Leu321Phe)

Gene: RARS2 (arginyl-tRNA synthetase 2, mitochondrial; minus strand). Cytogenetic location: 6q15.
Variant type: single nucleotide variant.
Coding change: c.961C>T on transcript NM_020320.5 (MANE Select); coding-DNA position 961, C replaced by T.
Protein change: p.Leu321Phe; replaces leucine 321 with phenylalanine.
Molecular consequence: missense variant. On other transcripts: non-coding transcript variant (23).
Genome position (GRCh38, 1-based): chr6:87,524,570, G>A on the plus strand (C>T on the coding strand, the complement: RARS2 is on the minus strand). VCF-style: chr6-87524570-G-A. GRCh37 (hg19) VCF-style: chr6-88234288-G-A.
Other names: c.436C>T, p.Leu146Phe (NM_001318785.2, NM_001350506.2, NM_001350507.2 and 4 more transcripts); c.961C>T, p.Leu321Phe (NM_001350505.2); short protein forms L146F, L321F.
Identifiers: ClinVar variation 4816058 (VCV004816058.1).